The following is an entry in ClinVar:

NM_000263.4(NAGLU):c.2062C>T (p.Gln688Ter)

Gene: NAGLU (N-acetyl-alpha-glucosaminidase; plus strand). Cytogenetic location: 17q21.2.
Variant type: single nucleotide variant.
Coding change: c.2062C>T on transcript NM_000263.4 (MANE Select); coding-DNA position 2062, C replaced by T.
Protein change: p.Gln688Ter; replaces glutamine 688 with a stop codon.
Molecular consequence: nonsense.
Genome position (GRCh38, 1-based): chr17:42,544,068, C>T. VCF-style: chr17-42544068-C-T. GRCh37 (hg19) VCF-style: chr17-40696086-C-T.
Other names: short protein forms Q688*.
Identifiers: ClinVar variation 556657 (VCV000556657.18), dbSNP rs1195831432, ClinGen allele CA399606050.
Genomic context (GRCh38, chr17:42,544,068, plus strand): 5'-GCCAACTACTACACCCCTCGCTGGCGGCTTTTCCTGGAGGCGCTGGTTGACAGTGTGGCC[C>T]AGGGCATCCCTTTCCAACAGCACCAGTTTGACAAAAATGTCTTCCAACTGGAGCAGGCCT-3'

ClinVar aggregate classification (germline): Pathogenic/Likely pathogenic. Review status: criteria provided, multiple submitters, no conflicts (2 of 4 stars). 3 submissions from 3 submitters: Pathogenic (1); Likely pathogenic (1). 1 of the submissions does not count toward it. Last evaluated 2025-01-01.

Conditions:
Mucopolysaccharidosis, MPS-III-B (MPS3B). Also called: MPS III B; MPS IIIB (Sanfilippo Syndrome Type B); N-ACETYL-ALPHA-D-GLUCOSAMINIDASE DEFICIENCY; NAGLU DEFICIENCY; SANFILIPPO SYNDROME B; Mucopolysaccharidosis type IIIB (Sanfilippo B). Identifiers: Orphanet 79270, MedGen C0086648, MONDO:0009656, OMIM 252920.
Charcot-Marie-Tooth disease axonal type 2V. Also called: CHARCOT-MARIE-TOOTH NEUROPATHY, TYPE 2V; CHARCOT-MARIE-TOOTH DISEASE, AXONAL, AUTOSOMAL DOMINANT, TYPE 2V. Identifiers: Orphanet 447964, MedGen C5569050, MONDO:0014665, OMIM 616491.

Allele frequency attached by ClinVar (database versions not stated): TOPMed below 0.00001.

Submissions (3):

CeGaT Center for Human Genetics Tuebingen
Classification: Likely pathogenic. Last evaluated: 2025-01-01. Review status: criteria provided, single submitter. Criteria: CeGaT Center For Human Genetics Tuebingen Variant Classification Criteria Version 2. Collection method: clinical testing. Allele origin: germline. Affected: yes. Observed: 1 variant allele.
Comment: NAGLU: PVS1:Strong, PM2, PM3:Supporting

Labcorp Genetics (formerly Invitae), Labcorp
Classification: Pathogenic for Charcot-Marie-Tooth disease axonal type 2V; Mucopolysaccharidosis, MPS-III-B. Last evaluated: 2024-02-15. Review status: criteria provided, single submitter. Criteria: Invitae Variant Classification Sherloc (09022015). Collection method: clinical testing. Allele origin: germline.
Comment: This sequence change creates a premature translational stop signal (p.Gln688*) in the NAGLU gene. While this is not anticipated to result in nonsense mediated decay, it is expected to disrupt the last 56 amino acid(s) of the NAGLU protein. This variant is not present in population databases (gnomAD no frequency). This variant has not been reported in the literature in individuals affected with NAGLU-related conditions. ClinVar contains an entry for this variant (Variation ID: 556657). This variant disrupts a region of the NAGLU protein in which other variant(s) (p.Gln706*) have been determined to be pathogenic (PMID: 9443875, 29661560). This suggests that this is a clinically significant region of the protein, and that variants that disrupt it are likely to be disease-causing. For these reasons, this variant has been classified as Pathogenic.

Counsyl
Classification: Likely pathogenic for Mucopolysaccharidosis, MPS-III-B. Last evaluated: 2018-02-13. Review status: no assertion criteria provided. Collection method: clinical testing. Allele origin: unknown. Not counted in ClinVar's aggregate classification.

Literature cited by the submitters: PubMed 9443875 (cited by Labcorp Genetics (formerly Invitae), Labcorp); PubMed 29661560 (cited by Labcorp Genetics (formerly Invitae), Labcorp).